The following is an entry in ClinVar:

NM_000203.5(IDUA):c.540G>C (p.Trp180Cys)

Gene: IDUA (alpha-L-iduronidase; plus strand). Cytogenetic location: 4p16.3.
Variant type: single nucleotide variant.
Coding change: c.540G>C on transcript NM_000203.5 (MANE Select); coding-DNA position 540, G replaced by C.
Protein change: p.Trp180Cys; replaces tryptophan 180 with cysteine.
Molecular consequence: missense variant. On other transcripts: non-coding transcript variant (1).
Genome position (GRCh38, 1-based): chr4:1,001,514, G>C. VCF-style: chr4-1001514-G-C. GRCh37 (hg19) VCF-style: chr4-995302-G-C.
Other names: c.144G>C, p.Trp48Cys (NM_001363576.1); short protein forms W180C, W48C.
Identifiers: ClinVar variation 2822333 (VCV002822333.3), dbSNP rs2153021904, ClinGen allele CA355961725.
Genomic context (GRCh38, chr4:1,001,514, plus strand): 5'-AGGCTCCTCTGCAGGTAGGTACGGACTGGCGCATGTTTCCAAGTGGAACTTCGAGACGTG[G>C]AATGAGCCAGACCACCACGACTTTGACAACGTCTCCATGACCATGCAAGGTGTGCACCGC-3'
Protein context (NP_000194.2, residues 170-190): AHVSKWNFET[Trp180Cys]NEPDHHDFDN

ClinVar aggregate classification (germline): Likely pathogenic (1 of 4 stars; one submission).

Conditions:
Mucopolysaccharidosis type 1. Also called: Mucopolysaccharidosis Type I; IDUA deficiency; MPS I. Identifiers: Orphanet 579, MedGen C0023786, MONDO:0001586.

Submission:

Labcorp Genetics (formerly Invitae), Labcorp
Classification: Likely pathogenic for Mucopolysaccharidosis type 1. Last evaluated: 2022-12-20. Review status: criteria provided, single submitter. Criteria: Invitae Variant Classification Sherloc (09022015). Collection method: clinical testing. Allele origin: germline.
Comment: In summary, the currently available evidence indicates that the variant is pathogenic, but additional data are needed to prove that conclusively. Therefore, this variant has been classified as Likely Pathogenic. This variant disrupts the p.Trp180 amino acid residue in IDUA. Other variant(s) that disrupt this residue have been determined to be pathogenic (PMID: 22976768, 25098213). This suggests that this residue is clinically significant, and that variants that disrupt this residue are likely to be disease-causing. Advanced modeling of protein sequence and biophysical properties (such as structural, functional, and spatial information, amino acid conservation, physicochemical variation, residue mobility, and thermodynamic stability) performed at Invitae indicates that this missense variant is expected to disrupt IDUA protein function. This variant has not been reported in the literature in individuals affected with IDUA-related conditions. This variant is not present in population databases (gnomAD no frequency). This sequence change replaces tryptophan, which is neutral and slightly polar, with cysteine, which is neutral and slightly polar, at codon 180 of the IDUA protein (p.Trp180Cys).

Literature cited by the submitters: PubMed 22976768; PubMed 25098213.